The following is an entry in ClinVar:

NM_001231.5(CASQ1):c.1084G>C (p.Asp362His)

Gene: CASQ1 (calsequestrin 1; plus strand). Cytogenetic location: 1q23.2.
Variant type: single nucleotide variant.
Coding change: c.1084G>C on transcript NM_001231.5 (MANE Select); coding-DNA position 1084, G replaced by C.
Protein change: p.Asp362His; replaces aspartic acid 362 with histidine.
Molecular consequence: missense variant.
Genome position (GRCh38, 1-based): chr1:160,201,269, G>C. VCF-style: chr1-160201269-G-C. GRCh37 (hg19) VCF-style: chr1-160171059-G-C.
Other names: short protein forms D362H.
Identifiers: ClinVar variation 3372024 (VCV003372024.1).

ClinVar aggregate classification (germline): Uncertain significance (1 of 4 stars; one submission).

gnomAD v4.1: 10 of 1,613,396 alleles (0.00062%); highest among the groups gnomAD compares: Non-Finnish European, 0.00076%; no homozygotes.

Submission:

GeneDx
Classification: Uncertain significance. Last evaluated: 2024-04-17. Review status: criteria provided, single submitter. Criteria: GeneDx Variant Classification Process June 2021. Collection method: clinical testing. Allele origin: germline. Affected: yes.
Comment: Not observed at significant frequency in large population cohorts (gnomAD); In silico analysis indicates that this missense variant does not alter protein structure/function; Has not been previously published as pathogenic or benign to our knowledge